The following is an entry in ClinVar:

NM_201596.3(CACNB2):c.446A>C (p.His149Pro)

Gene: CACNB2 (calcium voltage-gated channel auxiliary subunit beta 2; plus strand). Cytogenetic location: 10p12.31.
Variant type: single nucleotide variant.
Coding change: c.446A>C on transcript NM_201596.3 (MANE Select); coding-DNA position 446, A replaced by C.
Protein change: p.His149Pro; replaces histidine 149 with proline.
Molecular consequence: missense variant.
Genome position (GRCh38, 1-based): chr10:18,498,467, A>C. VCF-style: chr10-18498467-A-C. GRCh37 (hg19) VCF-style: chr10-18787396-A-C.
Other names: c.281A>C, p.His94Pro (NM_000724.4, NM_001330060.2); c.362A>C, p.His121Pro (NM_001167945.2, NM_201571.4, NM_201572.4); c.302A>C, p.His101Pro (NM_201570.3); c.284A>C, p.His95Pro (NM_201590.3); c.446A>C, p.His149Pro (NM_201593.3, NM_201597.3); short protein forms H101P, H95P, H121P, H94P, H149P.
Identifiers: ClinVar variation 843045 (VCV000843045.1), dbSNP rs2049973507, ClinGen allele CA376057010.
Genomic context (GRCh38, chr10:18,498,467, plus strand): 5'-ATGAAGATGATGTTCCAGTGCCTGGCATGGCCATCTCATTCGAAGCAAAAGATTTTCTGC[A>C]TGTTAAGGAAGTAAGGAGAATAATTTCATTTTCTAACAGCATGATGTTTCACCTTGACAT-3'
Protein context (NP_963890.2, residues 139-159): AISFEAKDFL[His149Pro]VKEKFNNDWW

ClinVar aggregate classification (germline): Uncertain significance (1 of 4 stars; one submission).

Conditions:
Brugada syndrome 4 (BRGDA4). Identifiers: Orphanet 130, MedGen C2678477, MONDO:0012743, OMIM 611876.

Submission:

Labcorp Genetics (formerly Invitae), Labcorp
Classification: Uncertain significance for Brugada syndrome 4. Last evaluated: 2019-02-13. Review status: criteria provided, single submitter. Criteria: Invitae Variant Classification Sherloc (09022015). Collection method: clinical testing. Allele origin: germline.
Comment: This sequence change replaces histidine with proline at codon 95 of the CACNB2 protein (p.His95Pro). The histidine residue is highly conserved and there is a moderate physicochemical difference between histidine and proline. This variant is not present in population databases (ExAC no frequency). This variant has not been reported in the literature in individuals with CACNB2-related conditions. Algorithms developed to predict the effect of missense changes on protein structure and function are either unavailable or do not agree on the potential impact of this missense change (SIFT: "Deleterious"; PolyPhen-2: "Probably Damaging"; Align-GVGD: "Class C0"). In summary, the available evidence is currently insufficient to determine the role of this variant in disease. Therefore, it has been classified as a Variant of Uncertain Significance.